The following is an entry in ClinVar:

NM_130839.5(UBE3A):c.427T>G (p.Tyr143Asp)

Genes: SNHG14 (small nucleolar RNA host gene 14; plus strand), UBE3A (ubiquitin protein ligase E3A; minus strand). Cytogenetic location: 15q11.2.
Variant type: single nucleotide variant.
Coding change: c.427T>G on transcript NM_130839.5 (MANE Select); coding-DNA position 427, T replaced by G.
Protein change: p.Tyr143Asp; replaces tyrosine 143 with aspartic acid.
Molecular consequence: missense variant. On other transcripts: non-coding transcript variant (1), intron variant (2).
Genome position (GRCh38, 1-based): chr15:25,371,747, A>C on the plus strand (T>G on the coding strand, the complement: UBE3A is on the minus strand). VCF-style: chr15-25371747-A-C. GRCh37 (hg19) VCF-style: chr15-25616894-A-C.
Other names: c.367T>G, p.Tyr123Asp (NM_130838.4, NM_001354506.2, NM_001354507.2 and 17 more transcripts); c.301+3718T>G (NM_001354551.2); c.361+3718T>G (NM_001354550.2); c.436T>G, p.Tyr146Asp (NM_000462.5); c.427T>G, p.Tyr143Asp (NM_001354505.1, NM_001354538.2, NM_001354545.2); c.250T>G, p.Tyr84Asp (NM_001354546.2); short protein forms Y123D, Y84D, Y143D, Y146D.
Identifiers: ClinVar variation 3657949 (VCV003657949.2).

ClinVar aggregate classification (germline): Uncertain significance (1 of 4 stars; one submission).

Conditions:
Angelman syndrome (AS). Also called: HAPPY PUPPET SYNDROME. Identifiers: Orphanet 72, MedGen C0162635, MONDO:0007113, OMIM 105830. Disease mechanism: loss of function. Inheritance: AS is caused by disruption of maternally imprinted UBE3A located within the 15q11.2-q13 Angelman syndrome/Prader-Willi syndrome (AS/PWS) region., imprinting disorder.

Submission:

Labcorp Genetics (formerly Invitae), Labcorp
Classification: Uncertain significance for Angelman syndrome. Last evaluated: 2024-07-06. Review status: criteria provided, single submitter. Criteria: Invitae Variant Classification Sherloc (09022015). Collection method: clinical testing. Allele origin: germline.
Comment: This sequence change replaces tyrosine, which is neutral and polar, with aspartic acid, which is acidic and polar, at codon 123 of the UBE3A protein (p.Tyr123Asp). This variant is not present in population databases (gnomAD no frequency). This variant has not been reported in the literature in individuals affected with UBE3A-related conditions. Advanced modeling of protein sequence and biophysical properties (such as structural, functional, and spatial information, amino acid conservation, physicochemical variation, residue mobility, and thermodynamic stability) has been performed at Invitae for this missense variant, however the output from this modeling did not meet the statistical confidence thresholds required to predict the impact of this variant on UBE3A protein function. In summary, the available evidence is currently insufficient to determine the role of this variant in disease. Therefore, it has been classified as a Variant of Uncertain Significance.